The following is an entry in ClinVar:

ClinVar aggregate classification (germline): Uncertain significance (1 of 4 stars; one submission).

Allele frequency attached by ClinVar (database versions not stated): gnomAD exomes below 0.00001.

Submission:

Labcorp Genetics (formerly Invitae), Labcorp
Classification: Uncertain significance. Last evaluated: 2024-03-18. Review status: criteria provided, single submitter. Criteria: Invitae Variant Classification Sherloc (09022015). Collection method: clinical testing. Allele origin: germline.
Comment: This sequence change creates a premature translational stop signal (p.Glu1245*) in the SAMD9 gene. While this is not anticipated to result in nonsense mediated decay, it is expected to disrupt the last 345 amino acid(s) of the SAMD9 protein. This variant is not present in population databases (gnomAD no frequency). This variant has not been reported in the literature in individuals affected with SAMD9-related conditions. In summary, the available evidence is currently insufficient to determine the role of this variant in disease. Therefore, it has been classified as a Variant of Uncertain Significance.

NM_017654.4(SAMD9):c.3733G>T (p.Glu1245Ter)

Gene: SAMD9 (sterile alpha motif domain containing 9; minus strand). Cytogenetic location: 7q21.2.
Variant type: single nucleotide variant.
Coding change: c.3733G>T on transcript NM_017654.4 (MANE Select); coding-DNA position 3733, G replaced by T.
Protein change: p.Glu1245Ter; replaces glutamic acid 1245 with a stop codon.
Molecular consequence: nonsense.
Genome position (GRCh38, 1-based): chr7:93,102,365, C>A on the plus strand (G>T on the coding strand, the complement: SAMD9 is on the minus strand). VCF-style: chr7-93102365-C-A. GRCh37 (hg19) VCF-style: chr7-92731678-C-A.
Other names: c.3733G>T, p.Glu1245Ter (NM_001193307.2); short protein forms E1245*.
Identifiers: ClinVar variation 3016932 (VCV003016932.3), dbSNP rs1382004596, ClinGen allele CA368183156.